The following is an entry in ClinVar:

ClinVar aggregate classification (germline): Likely pathogenic (1 of 4 stars; one submission).

Conditions:
Hereditary cancer-predisposing syndrome. Also called: Neoplastic Syndromes, Hereditary; Tumor predisposition; Hereditary Cancer Syndrome; Hereditary neoplastic syndrome. Identifiers: Orphanet 140162, MedGen C0027672, MeSH D009386, MONDO:0015356.

Submission:

Ambry Genetics
Classification: Likely pathogenic for Hereditary cancer-predisposing syndrome. Last evaluated: 2025-11-20. Review status: criteria provided, single submitter. Criteria: Ambry Variant Classification Scheme 2023. Collection method: clinical testing. Allele origin: germline.
Comment: The c.1673_1675delTGA variant (also known as p.M558del) is located in coding exon 9 of the MEN1 gene. This variant results from an in-frame TGA deletion at nucleotide positions 1673 to 1675. This results in the in-frame deletion of a methionine at codon 558. This amino acid position is highly conserved in available vertebrate species and the impacted region is critical for protein function (Ambry internal data). This variant was reported in individual(s) with features consistent with multiple endocrine neoplasia type 1 (Ambry internal data). In addition, this variant is predicted to be deleterious by in silico analysis (Choi Y et al. PLoS ONE. 2012; 7(10):e46688). Based on the majority of available evidence to date, this variant is likely to be pathogenic.

NM_001370259.2(MEN1):c.1673_1675del (p.Met558del)

Gene: MEN1 (menin 1; minus strand). Cytogenetic location: 11q13.1.
Variant type: Deletion.
Coding change: c.1673_1675del on transcript NM_001370259.2 (MANE Select); coding-DNA positions 1673 to 1675, 3 bases deleted (TGA; older notation c.1673_1675delTGA).
Protein change: p.Met558del; deletes methionine 558.
Molecular consequence: inframe deletion. On other transcripts: inframe indel (12).
Genome position (GRCh38, 1-based): chr11:64,804,492-64,804,494, TCA deleted on the plus strand (TGA on the coding strand, the reverse complement: MEN1 is on the minus strand); deleting any 3 consecutive bases within chr11:64,804,492-64,804,496 gives the same sequence; the c. name uses the placement nearest the transcript's 3' end. VCF-style (leftmost placement, unchanged base first): chr11-64804491-TTCA-T. GRCh37 (hg19) VCF-style: chr11-64571963-TTCA-T.
Other names: c.1688_1690del, p.Met563del (NM_000244.4, NM_130800.3, NM_130801.3 and 3 more transcripts); c.1799_1801del, p.Met600del (NM_001370251.2); c.1673_1675del, p.Met558del (NM_001370260.2, NM_001370261.2, NM_130799.3); c.1568_1570del, p.Met523del (NM_001370262.2, NM_001370263.2); c.1797_1799delGAT, p.Met600del (NM_001407142.1, NM_001407143.1, NM_001407144.1); c.1686_1688delGAT, p.Met563del (NM_001407145.1); c.1671_1673delGAT, p.Met558del (NM_001407146.1, NM_001407147.1); c.1566_1568delGAT, p.Met523del (NM_001407148.1, NM_001407149.1); and 4 more; short protein forms M558del, M605del, M503del, M563del, M565del, M523del, M600del.
Identifiers: ClinVar variation 1777737 (VCV001777737.3), dbSNP rs2497106547, ClinGen allele CA2580084411.